The following is an entry in ClinVar:

ClinVar aggregate classification (germline): Benign. Review status: criteria provided, multiple submitters, no conflicts (2 of 4 stars). 7 submissions from 7 submitters: Benign (6). 1 of the submissions does not count toward it. Last evaluated 2026-02-03.

Conditions:
Inborn genetic diseases. Identifiers: MedGen C0950123, MeSH D030342.
Kleefstra syndrome 1 (KLEFS1). Identifiers: Orphanet 261494, MedGen C0795833, MONDO:0027407, OMIM 610253.

Allele frequency attached by ClinVar (database versions not stated): gnomAD exomes 0.00962 and 0.02581; gnomAD 0.10540 and 0.09818; TOPMed 0.11152; 1000 Genomes Project 0.11082; ExAC 0.03172; ESP Exome Variant Server 0.11072; 1000 Genomes Project 30x 0.11993.
gnomAD v4.1: 29,595 of 1,611,890 alleles (1.8%); highest among the groups gnomAD compares: African/African-American, 34%; 4,507 homozygotes.

Submissions (7):

Labcorp Genetics (formerly Invitae), Labcorp
Classification: Benign for Kleefstra syndrome 1. Last evaluated: 2026-02-03. Review status: criteria provided, single submitter. Criteria: Invitae Variant Classification Sherloc (09022015). Collection method: clinical testing. Allele origin: germline.

Mayo Clinic Laboratories, Mayo Clinic
Classification: Benign. Last evaluated: 2021-11-04. Review status: criteria provided, single submitter. Criteria: ACMG Guidelines, 2015. Collection method: clinical testing. Allele origin: germline. Observed: 18 variant alleles.

GeneDx
Classification: Benign. Last evaluated: 2018-07-03. Review status: criteria provided, single submitter. Criteria: GeneDx Variant Classification Process June 2021. Collection method: clinical testing. Allele origin: germline. Affected: yes.

Ambry Genetics
Classification: Benign for Inborn genetic diseases. Last evaluated: 2016-03-16. Review status: criteria provided, single submitter. Criteria: Ambry Variant Classification Scheme 2023. Collection method: clinical testing. Allele origin: germline.

Eurofins Ntd Llc (ga)
Classification: Benign. Last evaluated: 2014-05-21. Review status: criteria provided, single submitter. Criteria: EGL Classification Definitions 2015. Collection method: clinical testing. Allele origin: germline. Observed: 5 variant alleles, 4 heterozygotes, 1 homozygote.

Breakthrough Genomics
Classification: Benign. Review status: criteria provided, single submitter. Criteria: ACMG Guidelines, 2015. Collection method: not provided. Allele origin: germline. Inheritance: Autosomal dominant inheritance. Affected: yes.

Genetic Services Laboratory, University of Chicago
Classification: Likely benign for AllHighlyPenetrant. Review status: no assertion criteria provided. Collection method: clinical testing. Allele origin: germline. Inheritance: Autosomal dominant inheritance. Not counted in ClinVar's aggregate classification.
Comment: Likely benign based on allele frequency in 1000 Genomes Project or ESP global frequency and its presence in a patient with a rare or unrelated disease phenotype. NOT Sanger confirmed.

NM_024757.5(EHMT1):c.3000C>T (p.Pro1000=)

Gene: EHMT1 (euchromatic histone lysine methyltransferase 1; plus strand). Cytogenetic location: 9q34.3.
Variant type: single nucleotide variant.
Coding change: c.3000C>T on transcript NM_024757.5 (MANE Select); coding-DNA position 3000, C replaced by T.
Protein change: p.Pro1000=; no amino-acid change (proline 1000 retained).
Molecular consequence: synonymous variant.
Genome position (GRCh38, 1-based): chr9:137,813,138, C>T. VCF-style: chr9-137813138-C-T. GRCh37 (hg19) VCF-style: chr9-140707590-C-T.
Other names: p.Pro1000=; c.2979C>T, p.Pro993= (NM_001354263.2).
Identifiers: ClinVar variation 96151 (VCV000096151.28), dbSNP rs35943616, ClinGen allele CA149295.